The following is an entry in ClinVar:

NC_000020.10:g.(?_35555575)_(35559288_?)del

Gene: SAMHD1 (SAM and HD domain containing deoxynucleoside triphosphate triphosphohydrolase 1; minus strand). Cytogenetic location: 20q11.23.
Variant type: Deletion.
Identifiers: ClinVar variation 2426161 (VCV002426161.4).

ClinVar aggregate classification (germline): Pathogenic (1 of 4 stars; one submission).

Conditions:
Aicardi-Goutieres syndrome 5. Identifiers: Orphanet 51, MedGen C2749659, MONDO:0013059, OMIM 612952.

Submission:

Labcorp Genetics (formerly Invitae), Labcorp
Classification: Pathogenic for Aicardi-Goutieres syndrome 5. Last evaluated: 2021-11-15. Review status: criteria provided, single submitter. Criteria: Invitae Variant Classification Sherloc (09022015). Collection method: clinical testing. Allele origin: germline.
Comment: This variant has not been reported in the literature in individuals affected with SAMHD1-related conditions. This variant is a gross deletion of the genomic region encompassing exon(s) 5-6 of the SAMHD1 gene. This deletion is out-of-frame, and is expected to create a premature termination codon and result in an absent or disrupted protein product. Loss-of-function variants in SAMHD1 are known to be pathogenic (PMID: 19525956, 22461318). For these reasons, this variant has been classified as Pathogenic.

Literature cited by the submitters: PubMed 19525956; PubMed 22461318.